The following is an entry in ClinVar:

NM_001113378.2(FANCI):c.3349+5G>A

Gene: FANCI (FA complementation group I; plus strand). Cytogenetic location: 15q26.1.
Variant type: single nucleotide variant.
Coding change: c.3349+5G>A on transcript NM_001113378.2 (MANE Select); 5 bases into the intron after coding-DNA position 3349, G replaced by A.
Molecular consequence: intron variant.
Genome position (GRCh38, 1-based): chr15:89,305,703, G>A. VCF-style: chr15-89305703-G-A. GRCh37 (hg19) VCF-style: chr15-89848934-G-A.
Other names: c.3169+5G>A (NM_018193.3); c.3349+5G>A (NM_001376911.1); c.3070+5G>A (NM_001376910.1).
Identifiers: ClinVar variation 4722229 (VCV004722229.1).
Genomic context (GRCh38, chr15:89,305,703, plus strand): 5'-AGTGGACTGGCTAATCACCAAGCTTAAGGGACAAGTGAGCCAAGAAACCTTATCAGGTAA[G>A]ATAAGTTCAACTGGGATTCCAGGAATTGACATGAGCAAGGTCAAAATTCATATTGGGTCG-3'

ClinVar aggregate classification (germline): Uncertain significance (1 of 4 stars; one submission).

Conditions:
Fanconi anemia (FA). Also called: Fanconi's anemia. Identifiers: Orphanet 84, MedGen C0015625, MeSH D005199, MONDO:0019391.

Submission:

Labcorp Genetics (formerly Invitae), Labcorp
Classification: Uncertain significance for Fanconi anemia. Last evaluated: 2025-07-03. Review status: criteria provided, single submitter. Criteria: Invitae Variant Classification Sherloc (09022015). Collection method: clinical testing. Allele origin: germline.
Comment: This sequence change falls in intron 31 of the FANCI gene. It does not directly change the encoded amino acid sequence of the FANCI protein. It affects a nucleotide within the consensus splice site. This variant is present in population databases (rs759999869, gnomAD 0.002%). This variant has not been reported in the literature in individuals affected with FANCI-related conditions. Variants that disrupt the consensus splice site are a relatively common cause of aberrant splicing (PMID: 17576681, 9536098). Algorithms developed to predict the effect of sequence changes on RNA splicing suggest that this variant is not likely to affect RNA splicing. In summary, the available evidence is currently insufficient to determine the role of this variant in disease. Therefore, it has been classified as a Variant of Uncertain Significance.

Literature cited by the submitters: PubMed 17576681; PubMed 9536098.